The following is an entry in ClinVar:

ClinVar aggregate classification (germline): Uncertain significance (1 of 4 stars; one submission).

Submission:

GeneDx
Classification: Uncertain significance. Last evaluated: 2024-10-20. Review status: criteria provided, single submitter. Criteria: GeneDx Variant Classification Process June 2021. Collection method: clinical testing. Allele origin: germline.
Comment: Not observed at significant frequency in large population cohorts (gnomAD); In silico analysis supports that this missense variant has a deleterious effect on protein structure/function; Has not been previously published as pathogenic or benign to our knowledge

NM_002471.4(MYH6):c.3536A>T (p.Asp1179Val)

Gene: MYH6 (myosin heavy chain 6; minus strand). Cytogenetic location: 14q11.2.
Variant type: single nucleotide variant.
Coding change: c.3536A>T on transcript NM_002471.4 (MANE Select); coding-DNA position 3536, A replaced by T.
Protein change: p.Asp1179Val; replaces aspartic acid 1179 with valine.
Molecular consequence: missense variant.
Genome position (GRCh38, 1-based): chr14:23,390,253, T>A on the plus strand (A>T on the coding strand, the complement: MYH6 is on the minus strand). VCF-style: chr14-23390253-T-A. GRCh37 (hg19) VCF-style: chr14-23859462-T-A.
Other names: short protein forms D1179V.
Identifiers: ClinVar variation 2577777 (VCV002577777.2), dbSNP rs2502159783, ClinGen allele CA389006072.
Genomic context (GRCh38, chr14:23,390,253, plus strand): 5'-GCGTGCTTCTTGCGCAGGGCCGCGGCAGTGGCCTCGTGCTGCAGCGTGGCCTCCTCCAGG[T>A]CCCGCCGCATCTTCTGGAACTCGGCCTCGCGCTTCTTGTTCATCTCGATCTGCACGGACG-3'
Protein context (NP_002462.2, residues 1169-1189): REAEFQKMRR[Asp1179Val]LEEATLQHEA